The following is an entry in ClinVar:

NM_004304.5(ALK):c.1885T>C (p.Ser629Pro)

Gene: ALK (ALK receptor tyrosine kinase; minus strand). Cytogenetic location: 2p23.2.
Variant type: single nucleotide variant.
Coding change: c.1885T>C on transcript NM_004304.5 (MANE Select); coding-DNA position 1885, T replaced by C.
Protein change: p.Ser629Pro; replaces serine 629 with proline.
Molecular consequence: missense variant.
Genome position (GRCh38, 1-based): chr2:29,275,429, A>G on the plus strand (T>C on the coding strand, the complement: ALK is on the minus strand). VCF-style: chr2-29275429-A-G. GRCh37 (hg19) VCF-style: chr2-29498295-A-G.
Other names: short protein forms S629P.
Identifiers: ClinVar variation 1719636 (VCV001719636.5), dbSNP rs2465332131, ClinGen allele CA346479911.

ClinVar aggregate classification (germline): Uncertain significance (1 of 4 stars; one submission).

Conditions:
Neuroblastoma, susceptibility to, 3. Also called: ALK-Related Neuroblastic Tumor Susceptibility. Identifiers: Orphanet 635, MedGen C2751681, MONDO:0013083, OMIM 613014.

Submission:

Labcorp Genetics (formerly Invitae), Labcorp
Classification: Uncertain significance for Neuroblastoma, susceptibility to, 3. Last evaluated: 2022-09-17. Review status: criteria provided, single submitter. Criteria: Invitae Variant Classification Sherloc (09022015). Collection method: clinical testing. Allele origin: germline.
Comment: This variant has not been reported in the literature in individuals affected with ALK-related conditions. This variant is not present in population databases (gnomAD no frequency). This sequence change replaces serine, which is neutral and polar, with proline, which is neutral and non-polar, at codon 629 of the ALK protein (p.Ser629Pro). Algorithms developed to predict the effect of missense changes on protein structure and function are either unavailable or do not agree on the potential impact of this missense change (SIFT: "Deleterious"; PolyPhen-2: "Probably Damaging"; Align-GVGD: "Class C0"). In summary, the available evidence is currently insufficient to determine the role of this variant in disease. Therefore, it has been classified as a Variant of Uncertain Significance.